The following is an entry in ClinVar:

NM_053025.4(MYLK):c.3902G>A (p.Arg1301His)

Gene: MYLK (myosin light chain kinase; minus strand). Cytogenetic location: 3q21.1.
Variant type: single nucleotide variant.
Coding change: c.3902G>A on transcript NM_053025.4 (MANE Select); coding-DNA position 3902, G replaced by A.
Protein change: p.Arg1301His; replaces arginine 1301 with histidine.
Molecular consequence: missense variant.
Genome position (GRCh38, 1-based): chr3:123,664,188, C>T on the plus strand (G>A on the coding strand, the complement: MYLK is on the minus strand). VCF-style: chr3-123664188-C-T. GRCh37 (hg19) VCF-style: chr3-123383035-C-T.
Other names: p.Arg1301His; c.3374G>A, p.Arg1125His (NM_001321309.2); c.3695G>A, p.Arg1232His (NM_053026.4, NM_053028.4); c.3902G>A, p.Arg1301His (NM_053027.4); short protein forms R1301H, R1125H, R1232H.
Identifiers: ClinVar variation 943010 (VCV000943010.13), dbSNP rs770980369, ClinGen allele CA070433.

ClinVar aggregate classification (germline): Conflicting classifications of pathogenicity. Review status: criteria provided, conflicting classifications (1 of 4 stars). 3 submissions from 3 submitters: Uncertain significance (2); Likely benign (1). Last evaluated 2025-04-02.

Conditions:
Familial thoracic aortic aneurysm and aortic dissection (TAAD). Also called: Thoracic aortic aneurysms and dissections. Identifiers: Orphanet 91387, MedGen C4707243, MONDO:0019625.
Aortic aneurysm, familial thoracic 7 (AAT7). Also called: AORTIC DISSECTION, FAMILIAL, WITH OR WITHOUT AORTIC ANEURYSM. Identifiers: MedGen C3151077, MONDO:0013418, OMIM 613780.

Allele frequency attached by ClinVar (database versions not stated): gnomAD 0.00001; TOPMed 0.00006; ExAC 0.00011.
gnomAD v4.1: 64 of 1,614,052 alleles (0.004%); highest among the groups gnomAD compares: Admixed American, 0.028%; no homozygotes.

Submissions (3):

Ambry Genetics
Classification: Uncertain significance for Familial thoracic aortic aneurysm and aortic dissection. Last evaluated: 2025-04-02. Review status: criteria provided, single submitter. Criteria: Ambry Variant Classification Scheme 2023. Collection method: clinical testing. Allele origin: germline.
Comment: The p.R1301H variant (also known as c.3902G>A), located in coding exon 20 of the MYLK gene, results from a G to A substitution at nucleotide position 3902. The arginine at codon 1301 is replaced by histidine, an amino acid with highly similar properties. This amino acid position is not well conserved in available vertebrate species. In addition, this alteration is predicted to be tolerated by in silico analysis. Based on the available evidence, the clinical significance of this variant remains unclear.

Mayo Clinic Laboratories, Mayo Clinic
Classification: Uncertain significance. Last evaluated: 2024-08-30. Review status: criteria provided, single submitter. Criteria: ACMG Guidelines, 2015. Collection method: clinical testing. Allele origin: germline. Observed: 1 variant allele.

Labcorp Genetics (formerly Invitae), Labcorp
Classification: Likely benign for Aortic aneurysm, familial thoracic 7. Last evaluated: 2023-07-29. Review status: criteria provided, single submitter. Criteria: Invitae Variant Classification Sherloc (09022015). Collection method: clinical testing. Allele origin: germline.